The following is an entry in ClinVar:

NM_003126.4(SPTA1):c.3694C>A (p.Leu1232Ile)

Gene: SPTA1 (spectrin alpha, erythrocytic 1; minus strand). Cytogenetic location: 1q23.1.
Variant type: single nucleotide variant.
Coding change: c.3694C>A on transcript NM_003126.4 (MANE Select); coding-DNA position 3694, C replaced by A.
Protein change: p.Leu1232Ile; replaces leucine 1232 with isoleucine.
Molecular consequence: missense variant.
Genome position (GRCh38, 1-based): chr1:158,648,529, G>T on the plus strand (C>A on the coding strand, the complement: SPTA1 is on the minus strand). VCF-style: chr1-158648529-G-T. GRCh37 (hg19) VCF-style: chr1-158618319-G-T.
Other names: short protein forms L1232I.
Identifiers: ClinVar variation 3613702 (VCV003613702.2).

ClinVar aggregate classification (germline): Uncertain significance (1 of 4 stars; one submission).

gnomAD v4.1: 1 of 1,613,974 alleles (0.000062%); highest among the groups gnomAD compares: South Asian, 0.0011%; no homozygotes.

Submission:

Labcorp Genetics (formerly Invitae), Labcorp
Classification: Uncertain significance. Last evaluated: 2024-10-25. Review status: criteria provided, single submitter. Criteria: Invitae Variant Classification Sherloc (09022015). Collection method: clinical testing. Allele origin: germline.
Comment: This sequence change replaces leucine, which is neutral and non-polar, with isoleucine, which is neutral and non-polar, at codon 1232 of the SPTA1 protein (p.Leu1232Ile). This variant is not present in population databases (gnomAD no frequency). This variant has not been reported in the literature in individuals affected with SPTA1-related conditions. Invitae Evidence Modeling of protein sequence and biophysical properties (such as structural, functional, and spatial information, amino acid conservation, physicochemical variation, residue mobility, and thermodynamic stability) indicates that this missense variant is not expected to disrupt SPTA1 protein function with a negative predictive value of 80%. In summary, the available evidence is currently insufficient to determine the role of this variant in disease. Therefore, it has been classified as a Variant of Uncertain Significance.